The following is an entry in ClinVar:

NM_014714.4(IFT140):c.2443C>T (p.Gln815Ter)

Gene: IFT140 (intraflagellar transport 140; minus strand). Cytogenetic location: 16p13.3.
Variant type: single nucleotide variant.
Coding change: c.2443C>T on transcript NM_014714.4 (MANE Select); coding-DNA position 2443, C replaced by T.
Protein change: p.Gln815Ter; replaces glutamine 815 with a stop codon.
Molecular consequence: nonsense.
Genome position (GRCh38, 1-based): chr16:1,526,753, G>A on the plus strand (C>T on the coding strand, the complement: IFT140 is on the minus strand). VCF-style: chr16-1526753-G-A. GRCh37 (hg19) VCF-style: chr16-1576754-G-A.
Other names: short protein forms Q815*.
Identifiers: ClinVar variation 1398675 (VCV001398675.7), dbSNP rs2141185231, ClinGen allele CA394228426.

ClinVar aggregate classification (germline): Pathogenic/Likely pathogenic. Review status: criteria provided, multiple submitters, no conflicts (2 of 4 stars). 2 submissions from 2 submitters: Pathogenic (1); Likely pathogenic (1). Last evaluated 2025-04-17.

Conditions:
Saldino-Mainzer syndrome (SRTD9). Also called: CONORENAL SYNDROME; Renal dysplasia, retinal pigmentary dystrophy, cerebellar ataxia and skeletal dysplasia; SHORT-RIB THORACIC DYSPLASIA 9 WITHOUT POLYDACTYLY; short-rib thoracic dysplasia 9 with or without polydactyly. Identifiers: Orphanet 140969, MedGen C1849437, MONDO:0009964, OMIM 266920.
Retinitis pigmentosa 80 (RP80). Identifiers: MedGen C4540439, MONDO:0054708, OMIM 617781.

Submissions (2):

Labcorp Genetics (formerly Invitae), Labcorp
Classification: Pathogenic for Saldino-Mainzer syndrome. Last evaluated: 2025-04-17. Review status: criteria provided, single submitter. Criteria: Invitae Variant Classification Sherloc (09022015). Collection method: clinical testing. Allele origin: germline.
Comment: This sequence change creates a premature translational stop signal (p.Gln815*) in the IFT140 gene. It is expected to result in an absent or disrupted protein product. Loss-of-function variants in IFT140 are known to be pathogenic (PMID: 22503633, 23418020, 24009529, 26216056). This variant is not present in population databases (gnomAD no frequency). This variant has not been reported in the literature in individuals affected with IFT140-related conditions. ClinVar contains an entry for this variant (Variation ID: 1398675). For these reasons, this variant has been classified as Pathogenic.

Fulgent Genetics
Classification: Likely pathogenic for Saldino-Mainzer syndrome; Retinitis pigmentosa 80. Last evaluated: 2024-06-10. Review status: criteria provided, single submitter. Criteria: ACMG Guidelines, 2015. Collection method: clinical testing. Allele origin: germline.

Literature cited by the submitters: PubMed 22503633 (cited by Labcorp Genetics (formerly Invitae), Labcorp); PubMed 23418020 (cited by Labcorp Genetics (formerly Invitae), Labcorp); PubMed 24009529 (cited by Labcorp Genetics (formerly Invitae), Labcorp); PubMed 26216056 (cited by Labcorp Genetics (formerly Invitae), Labcorp).